The following is an entry in ClinVar:

ClinVar aggregate classification (germline): Benign. Review status: criteria provided, multiple submitters, no conflicts (2 of 4 stars). 3 submissions from 2 submitters: Benign (3). Last evaluated 2021-05-14.

Conditions:
Charcot-Marie-Tooth disease type 4C (CMT4C). Also called: CHARCOT-MARIE-TOOTH DISEASE, DEMYELINATING, AUTOSOMAL RECESSIVE, TYPE 4C; CMT 4C; Charcot-Marie-Tooth Neuropathy Type 4C (CMT4C); CHARCOT-MARIE-TOOTH DISEASE, DEMYELINATING, TYPE 4C; SH3TC2-Related Hereditary Motor and Sensory Neuropathy. Identifiers: Orphanet 99949, MedGen C1866636, MONDO:0011113, OMIM 601596.
Susceptibility to mononeuropathy of the median nerve, mild. Also called: CARPAL TUNNEL SYNDROME, SUSCEPTIBILITY TO. Identifiers: MedGen C3150596, MONDO:0013237, OMIM 613353.

Allele frequency attached by ClinVar (database versions not stated): gnomAD 0.52304 and 0.52790; 1000 Genomes Project 0.52975; TOPMed 0.53141; 1000 Genomes Project 30x 0.53685.
gnomAD v4.1: 79,397 of 151,922 alleles (52%); highest among the groups gnomAD compares: African/African-American, 72%; 22,079 homozygotes.

Submissions (3):

GeneDx
Classification: Benign. Last evaluated: 2021-05-14. Review status: criteria provided, single submitter. Criteria: GeneDx Variant Classification Process June 2021. Collection method: clinical testing. Allele origin: germline. Affected: yes.

Illumina Laboratory Services, Illumina
Classification: Benign for Susceptibility to mononeuropathy of the median nerve, mild. Last evaluated: 2018-01-13. Review status: criteria provided, single submitter. Criteria: ICSL Variant Classification Criteria 13 December 2019. Collection method: clinical testing. Allele origin: germline.
Comment: This variant was observed in the ICSL laboratory as part of a predisposition screen in an ostensibly healthy population. It had not been previously curated by ICSL or reported in the Human Gene Mutation Database (HGMD: prior to June 1st, 2018), and was therefore a candidate for classification through an automated scoring system. Utilizing variant allele frequency, disease prevalence and penetrance estimates, and inheritance mode, an automated score was calculated to assess if this variant is too frequent to cause the disease. Based on the score and internal cut-off values, a variant classified as benign is not then subjected to further curation. The score for this variant resulted in a classification of benign for this disease.

Illumina Laboratory Services, Illumina
Classification: Benign for Charcot-Marie-Tooth disease type 4C. Last evaluated: 2018-01-13. Review status: criteria provided, single submitter. Criteria: ICSL Variant Classification Criteria 13 December 2019. Collection method: clinical testing. Allele origin: germline.
Comment: the same text as in the submission from Illumina Laboratory Services, Illumina above.

NM_024577.4(SH3TC2):c.*11390A>G

Gene: SH3TC2 (SH3 domain and tetratricopeptide repeats 2; minus strand). Cytogenetic location: 5q32.
Variant type: single nucleotide variant.
Coding change: c.*11390A>G on transcript NM_024577.4 (MANE Select); 11390 bases downstream of the stop codon, A replaced by G.
Molecular consequence: 3 prime UTR variant.
Genome position (GRCh38, 1-based): chr5:148,993,321, T>C on the plus strand (A>G on the coding strand, the complement: SH3TC2 is on the minus strand). VCF-style: chr5-148993321-T-C. GRCh37 (hg19) VCF-style: chr5-148372884-T-C.
Identifiers: ClinVar variation 351694 (VCV000351694.8), dbSNP rs3213854, ClinGen allele CA10623232.